The following is an entry in ClinVar:

ClinVar aggregate classification (germline): Pathogenic (1 of 4 stars; one submission).

Conditions:
Congenital lactic acidosis, Saguenay-Lac-Saint-Jean type (MC4DN5). Also called: CYTOCHROME c OXIDASE DEFICIENCY, FRENCH CANADIAN TYPE; COX DEFICIENCY, FRENCH CANADIAN TYPE; MITOCHONDRIAL COMPLEX IV DEFICIENCY, NUCLEAR TYPE 5. Identifiers: Orphanet 70472, MedGen C1857355, MONDO:0009069, OMIM 220111.

Submission:

Myriad Genetics, Inc.
Classification: Pathogenic for Congenital lactic acidosis, Saguenay-Lac-Saint-Jean type. Last evaluated: 2024-12-31. Review status: criteria provided, single submitter. Criteria: Myriad Autosomal Dominant, Autosomal Recessive and X-Linked Classification Criteria (2023). Collection method: clinical testing. Allele origin: unknown.
Comment: NM_133259.3(LRPPRC):c.818T>A(L273*) is expected to be pathogenic in the context of Leigh syndrome, French-Canadian type. This variant is predicted to lead to an abnormal or absent protein product due to the creation of a premature termination codon in LRPPRC, a gene where loss-of-function variants are known to be pathogenic. Please note: this variant was assessed in the context of healthy population screening.

NM_133259.4(LRPPRC):c.818T>A (p.Leu273Ter)

Gene: LRPPRC (leucine rich pentatricopeptide repeat containing; minus strand). Cytogenetic location: 2p21.
Variant type: single nucleotide variant.
Coding change: c.818T>A on transcript NM_133259.4 (MANE Select); coding-DNA position 818, T replaced by A.
Protein change: p.Leu273Ter; replaces leucine 273 with a stop codon.
Molecular consequence: nonsense.
Genome position (GRCh38, 1-based): chr2:43,975,137, A>T on the plus strand (T>A on the coding strand, the complement: LRPPRC is on the minus strand). VCF-style: chr2-43975137-A-T. GRCh37 (hg19) VCF-style: chr2-44202276-A-T.
Other names: short protein forms L273*.
Identifiers: ClinVar variation 5013901 (VCV005013901.1).